The following is an entry in ClinVar:

ClinVar aggregate classification (germline): Conflicting classifications of pathogenicity. Review status: criteria provided, conflicting classifications (1 of 4 stars). 2 submissions from 2 submitters: Likely pathogenic (1); Uncertain significance (1). Last evaluated 2022-06-18.

Conditions:
Hereditary cancer-predisposing syndrome. Also called: Neoplastic Syndromes, Hereditary; Hereditary Cancer Syndrome; Tumor predisposition; Hereditary neoplastic syndrome. Identifiers: Orphanet 140162, MedGen C0027672, MeSH D009386, MONDO:0015356.
Mandibular hypoplasia-deafness-progeroid syndrome. Also called: Mandibular hypoplasia, deafness, progeroid features, and lipodystrophy syndrome. Identifiers: Orphanet 363649, MedGen C3715192, MONDO:0014157, OMIM 615381.

Allele frequency attached by ClinVar (database versions not stated): gnomAD exomes below 0.00001.
gnomAD v4.1: 1 of 1,592,060 alleles (0.000063%); highest among the groups gnomAD compares: Non-Finnish European, 0.000085%; no homozygotes.

Submissions (2):

Ambry Genetics
Classification: Uncertain significance for Hereditary cancer-predisposing syndrome. Last evaluated: 2022-06-18. Review status: criteria provided, single submitter. Criteria: Ambry Variant Classification Scheme 2023. Collection method: clinical testing. Allele origin: germline.
Comment: The p.T1072A variant (also known as c.3214A>G), located in coding exon 25 of the POLD1 gene, results from an A to G substitution at nucleotide position 3214. The threonine at codon 1072 is replaced by alanine, an amino acid with similar properties. This amino acid position is conserved. In addition, this alteration is predicted to be tolerated by in silico analysis. Since supporting evidence is limited at this time, the clinical significance of this alteration remains unclear.

Centre de Génétique Humaine, Institut de Pathologie Et de Génétique
Classification: Likely pathogenic for Mandibular hypoplasia-deafness-progeroid syndrome. Last evaluated: 2021-01-07. Review status: criteria provided, single submitter. Criteria: ACMG Guidelines, 2015. Collection method: clinical testing. Allele origin: de novo. Inheritance: Autosomal dominant inheritance. Affected: yes. Observed: 1 variant allele, 1 heterozygote.
Comment: According to the ACMG recommendations, the variant was considered as pathogenic due to the association of PS2 (de novo with both maternity and paternity confirmed in a patient with the disease and no familial history), PM1 (located in a well-established functional domain), PM2 (absent from controls databases), PP2 (missense variant in a gene that has low rate of benign missense variation and in which missense variants are a common mechanism of disease) and PP4 (patientâ€™s phenotype highly specific for a disease with a single genetic etiology) criteria.

NM_002691.4(POLD1):c.3214A>G (p.Thr1072Ala)

Gene: POLD1 (DNA polymerase delta 1, catalytic subunit; plus strand). Cytogenetic location: 19q13.33.
Variant type: single nucleotide variant.
Coding change: c.3214A>G on transcript NM_002691.4 (MANE Select); coding-DNA position 3214, A replaced by G.
Protein change: p.Thr1072Ala; replaces threonine 1072 with alanine.
Molecular consequence: missense variant. On other transcripts: non-coding transcript variant (1).
Genome position (GRCh38, 1-based): chr19:50,417,265, A>G. VCF-style: chr19-50417265-A-G. GRCh37 (hg19) VCF-style: chr19-50920522-A-G.
Other names: c.3214A>G, p.Thr1072Ala (NM_001256849.1); c.3292A>G, p.Thr1098Ala (NM_001308632.1); c.3214A>G (NM_002691.2); short protein forms T1072A, T1098A.
Identifiers: ClinVar variation 992943 (VCV000992943.4), dbSNP rs2122509398, ClinGen allele CA406987566.